The following is an entry in ClinVar:

ClinVar aggregate classification (germline): Uncertain significance (1 of 4 stars; one submission).

Conditions:
Inborn genetic diseases. Identifiers: MedGen C0950123, MeSH D030342.

gnomAD v4.1: 1 of 1,613,030 alleles (0.000062%); highest among the groups gnomAD compares: Non-Finnish European, 0.000085%; no homozygotes.

Submission:

Ambry Genetics
Classification: Uncertain significance for Inborn genetic diseases. Last evaluated: 2025-05-31. Review status: criteria provided, single submitter. Criteria: Ambry Variant Classification Scheme 2023. Collection method: clinical testing. Allele origin: germline.
Comment: The p.V340A variant (also known as c.1019T>C), located in coding exon 12 of the FANCA gene, results from a T to C substitution at nucleotide position 1019. The valine at codon 340 is replaced by alanine, an amino acid with similar properties. This amino acid position is conserved. In addition, the in silico prediction for this alteration is inconclusive. Based on the available evidence, the clinical significance of this variant remains unclear.

NM_000135.4(FANCA):c.1019T>C (p.Val340Ala)

Gene: FANCA (FA complementation group A; minus strand). Cytogenetic location: 16q24.3.
Variant type: single nucleotide variant.
Coding change: c.1019T>C on transcript NM_000135.4 (MANE Select); coding-DNA position 1019, T replaced by C.
Protein change: p.Val340Ala; replaces valine 340 with alanine.
Molecular consequence: missense variant.
Genome position (GRCh38, 1-based): chr16:89,792,535, A>G on the plus strand (T>C on the coding strand, the complement: FANCA is on the minus strand). VCF-style: chr16-89792535-A-G. GRCh37 (hg19) VCF-style: chr16-89858943-A-G.
Other names: c.1019T>C, p.Val340Ala (NM_001286167.3); short protein forms V340A.
Identifiers: ClinVar variation 4022329 (VCV004022329.1).